The following is an entry in ClinVar:

ClinVar aggregate classification (germline): Uncertain significance (1 of 4 stars; one submission).

Conditions:
KMT2B-related disorder. Also called: KMT2B-related condition; KMT2B-related disorders. Identifiers: MedGen CN381338.

Allele frequency attached by ClinVar (database versions not stated): gnomAD exomes below 0.00001.
gnomAD v4.1: 2 of 1,610,304 alleles (0.00012%); highest among the groups gnomAD compares: South Asian, 0.0022%; no homozygotes.

Submission:

PreventionGenetics, part of Exact Sciences
Classification: Uncertain significance for KMT2B-related condition. Last evaluated: 2022-11-01. Review status: criteria provided, single submitter. Criteria: ACMG Guidelines, 2015. Collection method: clinical testing. Allele origin: germline.
Comment: The KMT2B c.2534A>C variant is predicted to result in the amino acid substitution p.Glu845Ala. To our knowledge, this variant has not been reported in the literature or in a large population database, indicating this variant is rare. At this time, the clinical significance of this variant is uncertain due to the absence of conclusive functional and genetic evidence.

NM_014727.3(KMT2B):c.2534A>C (p.Glu845Ala)

Gene: KMT2B (lysine methyltransferase 2B; plus strand). Cytogenetic location: 19q13.12.
Variant type: single nucleotide variant.
Coding change: c.2534A>C on transcript NM_014727.3 (MANE Select); coding-DNA position 2534, A replaced by C.
Protein change: p.Glu845Ala; replaces glutamic acid 845 with alanine.
Molecular consequence: missense variant.
Genome position (GRCh38, 1-based): chr19:35,722,435, A>C. VCF-style: chr19-35722435-A-C. GRCh37 (hg19) VCF-style: chr19-36213337-A-C.
Other names: short protein forms E845A.
Identifiers: ClinVar variation 2635293 (VCV002635293.1), dbSNP rs2513321219, ClinGen allele CA405398499.
Genomic context (GRCh38, chr19:35,722,435, plus strand): 5'-AGATGGAGGAGGTGGCCGGGGCTGTCAAGCAGATCTCCGACAGAGGCCCTGTCCGGTCTG[A>C]AGATGAGTCGGTGGAAGCTAAGAGAGAGCGGCCCTCAGTATGCATCGGGAGGAGGGCCCT-3'
Protein context (NP_055542.1, residues 835-855): QISDRGPVRS[Glu845Ala]DESVEAKRER